The following is an entry in ClinVar:

ClinVar aggregate classification (germline): Uncertain significance (1 of 4 stars; one submission).

Conditions:
Facioscapulohumeral muscular dystrophy 2 (FSHD2). Also called: MUSCULAR DYSTROPHY, FACIOSCAPULOHUMERAL, TYPE 1B; FACIOSCAPULOHUMERAL MUSCULAR DYSTROPHY 2, DIGENIC; FSHD2, DIGENIC. Identifiers: Orphanet 269, MedGen C1834671, MONDO:0008031, OMIM 158901.

gnomAD v4.1: 20 of 1,544,074 alleles (0.0013%); highest among the groups gnomAD compares: Non-Finnish European, 0.0017%; no homozygotes.

Submission:

Labcorp Genetics (formerly Invitae), Labcorp
Classification: Uncertain significance for Facioscapulohumeral muscular dystrophy 2. Last evaluated: 2025-06-29. Review status: criteria provided, single submitter. Criteria: Invitae Variant Classification Sherloc (09022015). Collection method: clinical testing. Allele origin: germline.
Comment: This sequence change replaces methionine, which is neutral and non-polar, with valine, which is neutral and non-polar, at codon 652 of the SMCHD1 protein (p.Met652Val). This variant is present in population databases (no rsID available, gnomAD 0.0009%). This variant has not been reported in the literature in individuals affected with SMCHD1-related conditions. An algorithm developed to predict the effect of missense changes on protein structure and function outputs the following: PolyPhen-2: "Benign". The valine amino acid residue is found in multiple mammalian species, which suggests that this missense change does not adversely affect protein function. In summary, the available evidence is currently insufficient to determine the role of this variant in disease. Therefore, it has been classified as a Variant of Uncertain Significance.

NM_015295.3(SMCHD1):c.1954A>G (p.Met652Val)

Gene: SMCHD1 (structural maintenance of chromosomes flexible hinge domain containing 1; plus strand). Cytogenetic location: 18p11.32.
Variant type: single nucleotide variant.
Coding change: c.1954A>G on transcript NM_015295.3 (MANE Select); coding-DNA position 1954, A replaced by G.
Protein change: p.Met652Val; replaces methionine 652 with valine.
Molecular consequence: missense variant.
Genome position (GRCh38, 1-based): chr18:2,705,805, A>G. VCF-style: chr18-2705805-A-G. GRCh37 (hg19) VCF-style: chr18-2705803-A-G.
Other names: short protein forms M652V.
Identifiers: ClinVar variation 4739096 (VCV004739096.1).